The following is an entry in ClinVar:

NM_015272.5(RPGRIP1L):c.3670A>G (p.Ile1224Val)

Gene: RPGRIP1L (RPGRIP1 like; minus strand). Cytogenetic location: 16q12.2.
Variant type: single nucleotide variant.
Coding change: c.3670A>G on transcript NM_015272.5 (MANE Select); coding-DNA position 3670, A replaced by G.
Protein change: p.Ile1224Val; replaces isoleucine 1224 with valine.
Molecular consequence: missense variant.
Genome position (GRCh38, 1-based): chr16:53,610,998, T>C on the plus strand (A>G on the coding strand, the complement: RPGRIP1L is on the minus strand). VCF-style: chr16-53610998-T-C. GRCh37 (hg19) VCF-style: chr16-53644910-T-C.
Other names: c.3670A>G (NM_015272.4); c.3430A>G, p.Ile1144Val (NM_001127897.4); c.3532A>G, p.Ile1178Val (NM_001308334.3); c.3568A>G, p.Ile1190Val (NM_001330538.2); short protein forms I1190V, I1224V, I1178V, I1144V.
Identifiers: ClinVar variation 970878 (VCV000970878.8), dbSNP rs778319575, ClinGen allele CA281352774.
Genomic context (GRCh38, chr16:53,610,998, plus strand): 5'-ATTAGATTATTTGGACTGCCAAAACATACCTTCTATTAGGCATCTCTTGTTTTTGTAGTA[T>C]AGCTTTTAAGATGTCTCTCTTTGCTTTGTTGTTTTCTTTATCCACGTAGATCACTATACC-3'
Protein context (NP_056087.2, residues 1214-1234): NKAKRDILKA[Ile1224Val]LQKQEMPNRS

ClinVar aggregate classification (germline): Uncertain significance. Review status: criteria provided, multiple submitters, no conflicts (2 of 4 stars). 3 submissions from 3 submitters: Uncertain significance (2). 1 of the submissions does not count toward it. Last evaluated 2025-12-31.

Conditions:
RPGRIP1L-related disorder. Also called: RPGRIP1L-related condition; RPGRIP1L-related disorders. Identifiers: MedGen CN239416.
Meckel-Gruber syndrome. Also called: GRUBER SYNDROME; Dysencephalia splachnocystica; DYSENCEPHALIA SPLANCHNOCYSTICA. Identifiers: Orphanet 564, MedGen C0265215, MONDO:0018921.
Joubert syndrome. Also called: Familial aplasia of the vermis; JOUBERT-BOLTSHAUSER SYNDROME. Identifiers: Orphanet 475, MedGen C5979921, MONDO:0018772.

Allele frequency attached by ClinVar (database versions not stated): gnomAD 0.00001; TOPMed 0.00001.
gnomAD v4.1: 11 of 1,612,952 alleles (0.00068%); highest among the groups gnomAD compares: Non-Finnish European, 0.00093%; no homozygotes.

Submissions (3):

PreventionGenetics, part of Exact Sciences
Classification: Uncertain significance for RPGRIP1L-related condition. Last evaluated: 2025-12-31. Review status: criteria provided, single submitter. Criteria: ACMG Guidelines, 2015. Collection method: clinical testing. Allele origin: germline.
Comment: The RPGRIP1L c.3670A>G variant is predicted to result in the amino acid substitution p.Ile1224Val. To our knowledge, this variant has not been reported in the literature. This variant is reported in 0.00088% of alleles in individuals of European (Non-Finnish) descent in gnomAD. At this time, the clinical significance of this variant is uncertain due to the absence of conclusive functional and genetic evidence.

Labcorp Genetics (formerly Invitae), Labcorp
Classification: Uncertain significance for Joubert syndrome; Meckel-Gruber syndrome. Last evaluated: 2024-10-14. Review status: criteria provided, single submitter. Criteria: Invitae Variant Classification Sherloc (09022015). Collection method: clinical testing. Allele origin: germline.
Comment: This sequence change replaces isoleucine, which is neutral and non-polar, with valine, which is neutral and non-polar, at codon 1224 of the RPGRIP1L protein (p.Ile1224Val). This variant is present in population databases (no rsID available, gnomAD 0.0009%). This variant has not been reported in the literature in individuals affected with RPGRIP1L-related conditions. ClinVar contains an entry for this variant (Variation ID: 970878). Invitae Evidence Modeling of protein sequence and biophysical properties (such as structural, functional, and spatial information, amino acid conservation, physicochemical variation, residue mobility, and thermodynamic stability) indicates that this missense variant is not expected to disrupt RPGRIP1L protein function with a negative predictive value of 80%. In summary, the available evidence is currently insufficient to determine the role of this variant in disease. Therefore, it has been classified as a Variant of Uncertain Significance.

Natera, Inc.
Classification: Uncertain significance for Joubert syndrome. Last evaluated: 2021-01-21. Review status: no assertion criteria provided. Collection method: clinical testing. Allele origin: germline. Not counted in ClinVar's aggregate classification.